The following is an entry in ClinVar:

NM_001220.5(CAMK2B):c.819+1G>A

Gene: CAMK2B (calcium/calmodulin dependent protein kinase II beta; minus strand). Cytogenetic location: 7p13.
Variant type: single nucleotide variant.
Coding change: c.819+1G>A on transcript NM_001220.5 (MANE Select); the canonical splice donor site of the intron after coding-DNA position 819, G replaced by A.
Molecular consequence: splice donor variant.
Genome position (GRCh38, 1-based): chr7:44,242,217, C>T on the plus strand (G>A on the coding strand, the complement: CAMK2B is on the minus strand). VCF-style: chr7-44242217-C-T. GRCh37 (hg19) VCF-style: chr7-44281816-C-T.
Other names: c.819+1G>A (NM_172084.3, NM_172080.3, NM_172083.3 and 5 more transcripts).
Identifiers: ClinVar variation 2811392 (VCV002811392.3), dbSNP rs1332760099, ClinGen allele CA367363696.

ClinVar aggregate classification (germline): Uncertain significance (1 of 4 stars; one submission).

Allele frequency attached by ClinVar (database versions not stated): gnomAD exomes below 0.00001; gnomAD 0.00001.
gnomAD v4.1: 2 of 1,612,350 alleles (0.00012%); highest among the groups gnomAD compares: African/African-American, 0.0013%; no homozygotes.

Submission:

Labcorp Genetics (formerly Invitae), Labcorp
Classification: Uncertain significance. Last evaluated: 2022-11-01. Review status: criteria provided, single submitter. Criteria: Invitae Variant Classification Sherloc (09022015). Collection method: clinical testing. Allele origin: germline.
Comment: In summary, the available evidence is currently insufficient to determine the role of this variant in disease. Therefore, it has been classified as a Variant of Uncertain Significance. Algorithms developed to predict the effect of sequence changes on RNA splicing suggest that this variant may disrupt the consensus splice site. This variant has not been reported in the literature in individuals affected with CAMK2B-related conditions. This variant is present in population databases (no rsID available, gnomAD 0.01%). This sequence change affects a donor splice site in intron 10 of the CAMK2B gene. It is expected to disrupt RNA splicing. Variants that disrupt the donor or acceptor splice site typically lead to a loss of protein function (PMID: 16199547), however the current clinical and genetic evidence is not sufficient to establish whether loss-of-function variants in CAMK2B cause disease.

Literature cited by the submitters: PubMed 16199547.